The following is an entry in ClinVar:

ClinVar aggregate classification (germline): Uncertain significance (1 of 4 stars; one submission).

Conditions:
Brachyolmia-amelogenesis imperfecta syndrome. Also called: Tooth agenesis, selective, 6; Dental anomalies and short stature; PLATYSPONDYLY WITH AMELOGENESIS IMPERFECTA. Identifiers: Orphanet 2899, MedGen C1832594, MONDO:0011018, OMIM 601216. Disease mechanism: loss of function.

Submission:

Labcorp Genetics (formerly Invitae), Labcorp
Classification: Uncertain significance for Brachyolmia-amelogenesis imperfecta syndrome. Last evaluated: 2023-11-18. Review status: criteria provided, single submitter. Criteria: Invitae Variant Classification Sherloc (09022015). Collection method: clinical testing. Allele origin: germline.
Comment: This sequence change replaces glycine, which is neutral and non-polar, with valine, which is neutral and non-polar, at codon 951 of the LTBP3 protein (p.Gly951Val). This variant is not present in population databases (gnomAD no frequency). This variant has not been reported in the literature in individuals affected with LTBP3-related conditions. An algorithm developed to predict the effect of missense changes on protein structure and function (PolyPhen-2) suggests that this variant is likely to be disruptive. In summary, the available evidence is currently insufficient to determine the role of this variant in disease. Therefore, it has been classified as a Variant of Uncertain Significance.

NM_001130144.3(LTBP3):c.2852G>T (p.Gly951Val)

Genes: LTBP3 (latent transforming growth factor beta binding protein 3; minus strand), LOC130006028 (ATAC-STARR-seq lymphoblastoid active region 4987; plus strand). Cytogenetic location: 11q13.1.
Variant type: single nucleotide variant.
Coding change: c.2852G>T on transcript NM_001130144.3 (MANE Select); coding-DNA position 2852, G replaced by T.
Protein change: p.Gly951Val; replaces glycine 951 with valine.
Molecular consequence: missense variant.
Genome position (GRCh38, 1-based): chr11:65,541,167, C>A on the plus strand (G>T on the coding strand, the complement: LTBP3 is on the minus strand). VCF-style: chr11-65541167-C-A. GRCh37 (hg19) VCF-style: chr11-65308638-C-A.
Other names: c.2501G>T, p.Gly834Val (NM_001164266.1); c.2852G>T, p.Gly951Val (NM_021070.4); short protein forms G834V, G951V.
Identifiers: ClinVar variation 2696976 (VCV002696976.3), dbSNP rs1565090084, ClinGen allele CA381268249.
Genomic context (GRCh38, chr11:65,541,167, plus strand): 5'-GGCCTGCCCGGCTCCTGACCTGAGCTGTAGACTGGGCAGGGGTAGATTTCGCAGTGGTCG[C>A]CCCAGCCGGCCCCCAGAGAGCAGCAGCACTCCTGCTGGGTCACGTTGGTGGCCAATACGC-3'
Protein context (NP_001123616.1, residues 941-961): ECCCSLGAGW[Gly951Val]DHCEIYPCPV